The following is an entry in ClinVar:

ClinVar aggregate classification (germline): Likely pathogenic (1 of 4 stars; one submission).

Conditions:
Usher syndrome. Also called: Usher Syndromes; Usher's syndrome. Identifiers: Orphanet 886, MedGen CN469326, MeSH D052245, MONDO:0019501. Disease mechanism: loss of function.

Submission:

Women's Health and Genetics/Laboratory Corporation of America, LabCorp
Classification: Likely pathogenic for Retinitis pigmentosa-deafness syndrome. Last evaluated: 2023-02-21. Review status: criteria provided, single submitter. Criteria: LabCorp Variant Classification Summary - May 2015. Collection method: clinical testing. Allele origin: germline.
Comment: Variant summary: ADGRV1 c.2898+2T>C is located in a canonical splice-site and is predicted to affect mRNA splicing resulting in a significantly altered protein due to either exon skipping, shortening, or inclusion of intronic material. Several computational tools predict a significant impact on normal splicing: Two predict the variant abolishes a 5 splicing donor site. However, these predictions have yet to be confirmed by functional studies. The variant was absent in 221458 control chromosomes (gnomAD). To our knowledge, no occurrence of c.2898+2T>C in individuals affected with Usher Syndrome and no experimental evidence demonstrating its impact on protein function have been reported. No clinical diagnostic laboratories have submitted clinical-significance assessments for this variant to ClinVar after 2014. Based on the evidence outlined above, the variant was classified as likely pathogenic.

NM_032119.4(ADGRV1):c.2898+2T>C

Gene: ADGRV1 (adhesion G protein-coupled receptor V1; plus strand). Cytogenetic location: 5q14.3.
Variant type: single nucleotide variant.
Coding change: c.2898+2T>C on transcript NM_032119.4 (MANE Select); the canonical splice donor site of the intron after coding-DNA position 2898, T replaced by C.
Molecular consequence: splice donor variant.
Genome position (GRCh38, 1-based): chr5:90,644,871, T>C. VCF-style: chr5-90644871-T-C. GRCh37 (hg19) VCF-style: chr5-89940688-T-C.
Identifiers: ClinVar variation 2445940 (VCV002445940.1), dbSNP rs2532001058, ClinGen allele CA360391364.